The following is an entry in ClinVar:

ClinVar aggregate classification (germline): Uncertain significance (1 of 4 stars; one submission).

gnomAD v4.1: 3 of 1,613,742 alleles (0.00019%); highest among the groups gnomAD compares: South Asian, 0.0011%; no homozygotes.

Submission:

Labcorp Genetics (formerly Invitae), Labcorp
Classification: Uncertain significance. Last evaluated: 2022-07-04. Review status: criteria provided, single submitter. Criteria: Invitae Variant Classification Sherloc (09022015). Collection method: clinical testing. Allele origin: germline.
Comment: In summary, the available evidence is currently insufficient to determine the role of this variant in disease. Therefore, it has been classified as a Variant of Uncertain Significance. Algorithms developed to predict the effect of missense changes on protein structure and function are either unavailable or do not agree on the potential impact of this missense change (SIFT: "Deleterious"; PolyPhen-2: "Possibly Damaging"; Align-GVGD: "Class C0"). This variant has not been reported in the literature in individuals affected with GRM6-related conditions. This variant is present in population databases (rs752378620, gnomAD 0.003%). This sequence change replaces arginine, which is basic and polar, with leucine, which is neutral and non-polar, at codon 352 of the GRM6 protein (p.Arg352Leu).

NM_000843.4(GRM6):c.1055G>T (p.Arg352Leu)

Genes: GRM6 (glutamate metabotropic receptor 6; minus strand), ZNF454 (zinc finger protein 454; plus strand). Cytogenetic location: 5q35.3.
Variant type: single nucleotide variant.
Coding change: c.1055G>T on transcript NM_000843.4 (MANE Select); coding-DNA position 1055, G replaced by T.
Protein change: p.Arg352Leu; replaces arginine 352 with leucine.
Molecular consequence: missense variant.
Genome position (GRCh38, 1-based): chr5:178,989,363, C>A on the plus strand (G>T on the coding strand, the complement: GRM6 is on the minus strand). VCF-style: chr5-178989363-C-A. GRCh37 (hg19) VCF-style: chr5-178416364-C-A.
Other names: short protein forms R352L.
Identifiers: ClinVar variation 2014161 (VCV002014161.4), dbSNP rs752378620, ClinGen allele CA3594245.
Genomic context (GRCh38, chr5:178,989,363, plus strand): 5'-GAGCTGGTCAGTTTGCAGTTAAAATTCTCTTCCCAGAACTCGGCGAACCAGATGTTCCTG[C>A]GGTTGTTCTCCAGGGATCGAGTCATGAAGTACTGGTCAAATCCTACAGACAGGGAAGAAG-3'
Protein context (NP_000834.2, residues 342-362): YFMTRSLENN[Arg352Leu]RNIWFAEFWE